The following is an entry in ClinVar:

NC_000012.11:g.(?_88517531)_(88519028_?)del

Gene: CEP290 (centrosomal protein 290; minus strand). Cytogenetic location: 12q21.32.
Variant type: Deletion.
Identifiers: ClinVar variation 3244276 (VCV003244276.1).

ClinVar aggregate classification (germline): Likely pathogenic (1 of 4 stars; one submission).

Conditions:
Joubert syndrome. Also called: CEREBELLOPARENCHYMAL DISORDER IV; JOUBERT-BOLTSHAUSER SYNDROME; Familial aplasia of the vermis. Identifiers: Orphanet 475, MedGen C5979921, MONDO:0018772.
Nephronophthisis. Also called: Juvenile Nephronophthisis. Identifiers: Orphanet 655, MedGen C0687120, MONDO:0019005, HP:0000090.
Meckel-Gruber syndrome. Also called: DYSENCEPHALIA SPLANCHNOCYSTICA; GRUBER SYNDROME; Dysencephalia splachnocystica. Identifiers: Orphanet 564, MedGen C0265215, MONDO:0018921.

Submission:

Labcorp Genetics (formerly Invitae), Labcorp
Classification: Likely pathogenic for Joubert syndrome; Meckel-Gruber syndrome; Nephronophthisis. Last evaluated: 2020-07-25. Review status: criteria provided, single submitter. Criteria: Invitae Variant Classification Sherloc (09022015). Collection method: clinical testing. Allele origin: unknown.
Comment: This variant results in the deletion of part of exon 13 (c.1184_1189+1492delinsCATTGTTGTCC) of the CEP290 gene. It is expected to disrupt RNA splicing and likely results in an absent or disrupted protein product. This variant has not been reported in the literature in individuals with CEP290-related conditions. Loss-of-function variants in CEP290 are known to be pathogenic (PMID: 16909394, 17345604, 20690115, 25377065, 28559085). In summary, the currently available evidence indicates that the variant is pathogenic, but additional data are needed to prove that conclusively. Therefore, this variant has been classified as Likely Pathogenic.

Literature cited by the submitters: PubMed 16909394; PubMed 17345604; PubMed 20690115; PubMed 25377065; PubMed 28559085.